The following is an entry in ClinVar:

NM_001370100.5(ZMYND11):c.440G>C (p.Ser147Thr)

Gene: ZMYND11 (zinc finger MYND-type containing 11; plus strand). Cytogenetic location: 10p15.3.
Variant type: single nucleotide variant.
Coding change: c.440G>C on transcript NM_001370100.5 (MANE Select); coding-DNA position 440, G replaced by C.
Protein change: p.Ser147Thr; replaces serine 147 with threonine.
Molecular consequence: missense variant. On other transcripts: 5 prime UTR variant (1), non-coding transcript variant (1).
Genome position (GRCh38, 1-based): chr10:236,839, G>C. VCF-style: chr10-236839-G-C. GRCh37 (hg19) VCF-style: chr10-282779-G-C.
Other names: c.278G>C, p.Ser93Thr (NM_001202467.1, NM_001370103.2, NM_001370104.2 and 11 more transcripts); c.440G>C, p.Ser147Thr (NM_001202468.1, NM_001370097.3, NM_001370098.2 and 10 more transcripts); c.389G>C, p.Ser130Thr (NM_001330057.3, NM_001370112.2); c.374G>C, p.Ser125Thr (NM_001370116.2); c.320G>C, p.Ser107Thr (NM_001370118.2); c.212G>C, p.Ser71Thr (NM_001370120.2); c.158G>C, p.Ser53Thr (NM_001370121.2); c.227G>C, p.Ser76Thr (NM_001370123.2); and 1 more; short protein forms S107T, S125T, S147T, S71T, S130T, S53T, S76T, S93T.
Identifiers: ClinVar variation 1032470 (VCV001032470.2), dbSNP rs1178826446, ClinGen allele CA375844693.

ClinVar aggregate classification (germline): Uncertain significance. Review status: criteria provided, multiple submitters, no conflicts (2 of 4 stars). 2 submissions from 2 submitters: Uncertain significance (2). Last evaluated 2025-04-13.

Conditions:
Intellectual developmental disorder, autosomal dominant 30, with speech delay and behavioral abnormalities. Also called: Intellectual disability, autosomal dominant 30. Identifiers: Orphanet 436151, MedGen C4015167, MONDO:0014486, OMIM 616083.
Inborn genetic diseases. Identifiers: MedGen C0950123, MeSH D030342.

gnomAD v4.1: 13 of 1,608,716 alleles (0.00081%); highest among the groups gnomAD compares: Non-Finnish European, 0.0011%; no homozygotes.

Submissions (2):

Ambry Genetics
Classification: Uncertain significance for Inborn genetic diseases. Last evaluated: 2025-04-13. Review status: criteria provided, single submitter. Criteria: Ambry Variant Classification Scheme 2023. Collection method: clinical testing. Allele origin: germline.

Baylor Genetics
Classification: Uncertain significance for Intellectual developmental disorder, autosomal dominant 30, with speech delay and behavioral abnormalities. Last evaluated: 2018-01-16. Review status: criteria provided, single submitter. Criteria: ACMG Guidelines, 2015. Collection method: clinical testing. Allele origin: paternal. Affected: yes.
Comment: This variant was determined to be of uncertain significance according to ACMG Guidelines, 2015 [PMID:25741868].